The following is an entry in ClinVar:

NM_004656.4(BAP1):c.471T>C (p.Asn157=)

Gene: BAP1 (BRCA1 associated deubiquitinase 1; minus strand). Cytogenetic location: 3p21.1.
Variant type: single nucleotide variant.
Coding change: c.471T>C on transcript NM_004656.4 (MANE Select); coding-DNA position 471, T replaced by C.
Protein change: p.Asn157=; no amino-acid change (asparagine 157 retained).
Molecular consequence: synonymous variant.
Genome position (GRCh38, 1-based): chr3:52,407,283, A>G on the plus strand (T>C on the coding strand, the complement: BAP1 is on the minus strand). VCF-style: chr3-52407283-A-G. GRCh37 (hg19) VCF-style: chr3-52441299-A-G.
Other names: c.471T>C, p.Asn157= (NM_001410772.1).
Identifiers: ClinVar variation 2756469 (VCV002756469.4), dbSNP rs2153227853, ClinGen allele CA433777263.
Genomic context (GRCh38, chr3:52,407,283, plus strand): 5'-TGTGATAGGCACATAGCTGACAAAGTGGAACGCCTCCATGGTCCGCACTGCACTAAGGCC[A>G]TTCTGCTTCTCAGGGAGGTGGCGTGGCTCGGGCCTGGGGAAAAACAGAGTCAGGGCCCAA-3'
Protein context (NP_004647.1, residues 147-167): PEPRHLPEKQ[Asn157=]GLSAVRTMEA

ClinVar aggregate classification (germline): Benign/Likely benign. Review status: criteria provided, multiple submitters, no conflicts (2 of 4 stars). 2 submissions from 2 submitters: Benign (1); Likely benign (1). Last evaluated 2025-04-07.

Conditions:
BAP1-related tumor predisposition syndrome (TPDS1). Also called: Tumor susceptibility linked to germline BAP1 mutations; COMMON Syndrome; TUMOR PREDISPOSITION SYNDROME 1; BAP1 tumor predisposition syndrome. Identifiers: Orphanet 289539, MedGen C3280492, MONDO:0013692, OMIM 614327.

Submissions (2):

Labcorp Genetics (formerly Invitae), Labcorp
Classification: Likely benign for BAP1-related tumor predisposition syndrome. Last evaluated: 2025-04-07. Review status: criteria provided, single submitter. Criteria: Invitae Variant Classification Sherloc (09022015). Collection method: clinical testing. Allele origin: germline.

Myriad Genetics, Inc.
Classification: Benign for BAP1-related tumor predisposition syndrome. Last evaluated: 2024-07-12. Review status: criteria provided, single submitter. Criteria: Myriad Autosomal Dominant, Autosomal Recessive and X-Linked Classification Criteria (2023). Collection method: clinical testing. Allele origin: unknown.
Comment: This variant is considered benign. This variant is a silent/synonymous amino acid change and it is not expected to impact splicing.